The following is an entry in ClinVar:

ClinVar aggregate classification (germline): Uncertain significance (1 of 4 stars; one submission).

Conditions:
Holocarboxylase synthetase deficiency. Also called: MULTIPLE CARBOXYLASE DEFICIENCY, EARLY ONSET. Identifiers: Orphanet 79242, MedGen C0268581, MONDO:0009666, OMIM 253270.

gnomAD v4.1: 1 of 1,614,140 alleles (0.000062%); no homozygotes.

Submission:

Labcorp Genetics (formerly Invitae), Labcorp
Classification: Uncertain significance for Holocarboxylase synthetase deficiency. Last evaluated: 2021-07-26. Review status: criteria provided, single submitter. Criteria: Invitae Variant Classification Sherloc (09022015). Collection method: clinical testing. Allele origin: germline.
Comment: In summary, the available evidence is currently insufficient to determine the role of this variant in disease. Therefore, it has been classified as a Variant of Uncertain Significance. Advanced modeling of protein sequence and biophysical properties (such as structural, functional, and spatial information, amino acid conservation, physicochemical variation, residue mobility, and thermodynamic stability) performed at Invitae indicates that this missense variant is not expected to disrupt HLCS protein function. This variant has not been reported in the literature in individuals affected with HLCS-related conditions. This variant is not present in population databases (ExAC no frequency). This sequence change replaces alanine with threonine at codon 445 of the HLCS protein (p.Ala445Thr). The alanine residue is weakly conserved and there is a small physicochemical difference between alanine and threonine.

NM_001352514.2(HLCS):c.1774G>A (p.Ala592Thr)

Gene: HLCS (holocarboxylase synthetase; minus strand). Cytogenetic location: 21q22.13.
Variant type: single nucleotide variant.
Coding change: c.1774G>A on transcript NM_001352514.2 (MANE Select); coding-DNA position 1774, G replaced by A.
Protein change: p.Ala592Thr; replaces alanine 592 with threonine.
Molecular consequence: missense variant. On other transcripts: non-coding transcript variant (2).
Genome position (GRCh38, 1-based): chr21:36,896,978, C>T on the plus strand (G>A on the coding strand, the complement: HLCS is on the minus strand). VCF-style: chr21-36896978-C-T. GRCh37 (hg19) VCF-style: chr21-38269278-C-T.
Other names: c.1333G>A, p.Ala445Thr (NM_001352516.2, NM_001352517.1, NM_001352518.2 and 4 more transcripts); short protein forms A445T, A592T.
Identifiers: ClinVar variation 1446377 (VCV001446377.8), dbSNP rs987805504, ClinGen allele CA409966503.
Genomic context (GRCh38, chr21:36,896,978, plus strand): 5'-ACTGCTTGGTCTGCAGATTTTGGCGATAGATCTCTAAGTTGAAATGTTCTGATGAGAAGG[C>T]CTCCATGTTGGTCACCACAGGTATACAAGATGGGGTTATTTCTACTTCAGACACGTAGGA-3'
Protein context (NP_001339443.1, residues 582-602): SCIPVVTNME[Ala592Thr]FSSEHFNLEI